The following is an entry in ClinVar:

ClinVar aggregate classification (germline): Uncertain significance (1 of 4 stars; one submission).

Conditions:
Glanzmann thrombasthenia. Also called: Glanzmann's thrombasthenia; BLEEDING DISORDER, PLATELET-TYPE, 2; THROMBASTHENIA OF GLANZMANN AND NAEGELI; Thrombasthenia; PLATELET GLYCOPROTEIN IIb-IIIa DEFICIENCY. Identifiers: Orphanet 849, MedGen C0040015, MONDO:0100326.

gnomAD v4.1: 2 of 1,614,188 alleles (0.00012%); highest among the groups gnomAD compares: African/African-American, 0.0027%; no homozygotes.

Submission:

Labcorp Genetics (formerly Invitae), Labcorp
Classification: Uncertain significance for Glanzmann thrombasthenia. Last evaluated: 2024-09-23. Review status: criteria provided, single submitter. Criteria: Invitae Variant Classification Sherloc (09022015). Collection method: clinical testing. Allele origin: germline.
Comment: This sequence change replaces valine, which is neutral and non-polar, with methionine, which is neutral and non-polar, at codon 17 of the ITGA2B protein (p.Val17Met). This variant is not present in population databases (gnomAD no frequency). This variant has not been reported in the literature in individuals affected with ITGA2B-related conditions. An algorithm developed to predict the effect of missense changes on protein structure and function outputs the following: PolyPhen-2: "Benign". The methionine amino acid residue is found in multiple mammalian species, which suggests that this missense change does not adversely affect protein function. In summary, the available evidence is currently insufficient to determine the role of this variant in disease. Therefore, it has been classified as a Variant of Uncertain Significance.

NM_000419.5(ITGA2B):c.49G>A (p.Val17Met)

Gene: ITGA2B (integrin subunit alpha 2b; minus strand). Cytogenetic location: 17q21.31.
Variant type: single nucleotide variant.
Coding change: c.49G>A on transcript NM_000419.5 (MANE Select); coding-DNA position 49, G replaced by A.
Protein change: p.Val17Met; replaces valine 17 with methionine.
Molecular consequence: missense variant.
Genome position (GRCh38, 1-based): chr17:44,389,425, C>T on the plus strand (G>A on the coding strand, the complement: ITGA2B is on the minus strand). VCF-style: chr17-44389425-C-T. GRCh37 (hg19) VCF-style: chr17-42466793-C-T.
Other names: short protein forms V17M.
Identifiers: ClinVar variation 3711949 (VCV003711949.2).